The following is an entry in ClinVar:

ClinVar aggregate classification (germline): Pathogenic/Likely pathogenic. Review status: criteria provided, multiple submitters, no conflicts (2 of 4 stars). 2 submissions from 2 submitters: Pathogenic (1); Likely pathogenic (1). Last evaluated 2023-09-07.

Conditions:
Familial cancer of breast. Also called: Hereditary breast cancer; hereditary breast carcinoma; BREAST CANCER, FAMILIAL. Identifiers: Orphanet 227535, MedGen C0346153, MONDO:0016419, OMIM 114480. Disease mechanism: loss of function.

Submissions (2):

Myriad Genetics, Inc.
Classification: Pathogenic for Familial cancer of breast. Last evaluated: 2023-09-07. Review status: criteria provided, single submitter. Criteria: Myriad Autosomal Dominant, Autosomal Recessive and X-Linked Classification Criteria (2023). Collection method: clinical testing. Allele origin: unknown.
Comment: This variant is considered pathogenic. This variant creates a frameshift predicted to result in premature protein truncation.

GeneDx
Classification: Likely pathogenic. Last evaluated: 2017-03-08. Review status: criteria provided, single submitter. Criteria: GeneDx Variant Classification (06012015). Collection method: clinical testing. Allele origin: germline. Affected: yes.
Comment: This deletion of one nucleotide in PALB2 is denoted c.841delA at the cDNA level and p.Ile281LeufsX7 (I281LfsX7) at the protein level. The normal sequence, with the base that is deleted in brackets, is AAAC[delA]TTAG. The deletion causes a frameshift which changes an Isoleucine to a Leucine at codon 281, and creates a premature stop codon at position 7 of the new reading frame. Although this variant has not, to our knowledge, been reported in the literature, it is predicted to cause loss of normal protein function through either protein truncation or nonsense-mediated mRNA decay. Based on the currently available information, we consider this deletion to be a likely pathogenic variant.

NM_024675.4(PALB2):c.841del (p.Ile281fs)

Gene: PALB2 (partner and localizer of BRCA2; minus strand). Cytogenetic location: 16p12.2.
Variant type: Deletion.
Coding change: c.841del on transcript NM_024675.4 (MANE Select); coding-DNA position 841, one base deleted (A; older notation c.841delA).
Protein change: p.Ile281fs; shifts the reading frame from isoleucine 281.
Molecular consequence: frameshift variant.
Genome position (GRCh38, 1-based): chr16:23,635,705, T deleted on the plus strand (A on the coding strand, the reverse complement: PALB2 is on the minus strand). VCF-style (leftmost placement, unchanged base first): chr16-23635704-AT-A. GRCh37 (hg19) VCF-style: chr16-23647025-AT-A.
Other names: c.841delA (NM_024675.3); short protein forms I281fs.
Identifiers: ClinVar variation 545771 (VCV000545771.3), dbSNP rs1555461595, ClinGen allele CA658824045.
Genomic context (GRCh38, chr16:23,635,704, plus strand): 5'-TCTGTAGAGACAGTCATTTTTTTGCCTTGTGCCTCCAAACTTACAGGTGAAGTAAATCTA[AT>A]GTTTTTTAGGTCGTGAGTAGTAAGTTCACTGCTACCTTTAGGAGGAATGTGTTCAAGGTG-3'